The following continues an entry in ClinVar:

NM_003119.4(SPG7):c.1529C>T (p.Ala510Val)

Gene: SPG7. ClinVar aggregate classification (germline): Pathogenic/Likely pathogenic. Pathogenic (55); Likely pathogenic (11).

Submissions 22 to 34 of 101:

Pittsburgh Clinical Genomics Laboratory, University of Pittsburgh Medical Center
Classification: Pathogenic for Hereditary spastic paraplegia 7. Last evaluated: 2024-05-23. Review status: criteria provided, single submitter. Criteria: ACMG Guidelines, 2015. Collection method: clinical testing. Allele origin: germline. Inheritance: Autosomal unknown. Affected: yes.
Comment: This sequence variant is a single nucleotide substitution (C>T) at position 1529 of the coding sequence of the SPG7 gene that results in an alanine to valine amino acid change at residue 510 of the SPG7 encoded protein, paraplegin. The 510 residue falls in the AAA+ Lid domain which plays a role in paraplegin's ATPase activity (PMID: 32973427). This is a previously reported variant (ClinVar 42016) that has been observed in homozygous, compound heterozygous, and monoallelic heterozygous individuals affected by a variety of movement disorders including hereditary spastic paraplegia, Parkingson's disease, progressive muscle atrophy, and ataxia (PMID: 32973427, 35586535, 28444220, 22571692, 37213040, 20301286, 29246844, 29915382, 30098094, 32040484, 20186691, 26506339, 31068484). In addition, this variant has been shown to be associated with an increased risk of developing hereditary spastic paraplegia (PMID: 33598982) or Parkingson's disease (PMID: 30537300) and has cosegregated with hereditary spastic paraplegia in several families (PMID: 23269439, 22571692, 23065789). This variant is present in 9342 of 1611950 alleles (0.5795%) in the gnomAD v4.1.0 population dataset. Several studies have suggested that this variant may have reduced penetrance and/or variable expressivity (PMID: 37213040, 33598982). Multiple bioinformatic tools predict that this amino acid change would be damaging, and the Ala510 residue at this position is highly conserved across the vertebrate species examined. Studies in yeast and patient-derived stem cells indicate that this variant confers an increased expression of paraplegin and multiple mitochondrial dysfunctions (PMID: 32973427, 20186691). Based upon the evidence, we consider this a pathogenic variant with reduced penetrance and/or variable expressivity. ACMG Criteria: PM3, PP1, PP3, PS3, PS4

Clinical Omics and Informatics (COIN) Unit, Neuroscience Institute, University Of Cape Town
Classification: Pathogenic for Hereditary spastic paraplegia 7. Last evaluated: 2024-05-22. Review status: criteria provided, single submitter. Criteria: ACMG Guidelines, 2015. Collection method: research. Allele origin: germline. Inheritance: Autosomal recessive inheritance. Affected: yes. Observed: 1 variant allele, 1 homozygote.
Comment: PM2_supporting: the highest population allele frequency in gnomAD v4.0 is 0.007265 (0.72%; 8558/1178040 alleles in European non-Finnish population). 41 homozygotes present. The heterozygous carrier frequency is 8558/1178040=~1% which should give rise to a disease prevalence of 2.5/100,000 which is not inconsistent with reported figures (the prevalence of SPG7 is estimated at between 1:100,000 and 9:100,000 for most countries). This variant is the most common mutation causing adult onset neurogenetic disease in patients of British ancestry (PMID 23269439). PP3_moderate: REVEL score is 0.92. PM3_very_strong: >4 points: max 1 point awarded for multiple homozygous occurrences of the variant in affected unrelated probands (PMID 23269439, PMID 22964162) and >3 points awarded for co-occurrence of the variant with other pathogenic/likely pathogenic SPG7 variants in multiple unrelated probands (compound heterozygotes) (PMID 22964162, PMID 32973427). PS3_supporting: functional studies provide supportive evidence that this variant has a damaging effect on the gene or gene product (PMID 20186691, PMID 32973427). PS4 not evaluated as literature probands counted under PM3. Sequencing funded by the International Centre for Genomic Medicine in Neuromuscular Diseases (ICGNMD).

Service de Génétique Médicale, Centre Hospitalier Universitaire de Nice-Université Côte d'Azur
Classification: Likely pathogenic for Hereditary spastic paraplegia 7. Last evaluated: 2024-02-27. Review status: criteria provided, single submitter. Criteria: ACMG Guidelines, 2015. Collection method: clinical testing. Allele origin: germline. Affected: yes.

Equipe Genetique des Anomalies du Developpement, Université de Bourgogne
Classification: Likely pathogenic for Hereditary spastic paraplegia 7. Last evaluated: 2023-12-07. Review status: criteria provided, single submitter. Criteria: ACMG Guidelines, 2015. Collection method: clinical testing. Allele origin: unknown. Affected: yes.

Genetic Foundation of Khorasan Razavi (GFKR)
Classification: Likely pathogenic for Hereditary spastic paraplegia 7. Last evaluated: 2023-10-05. Review status: criteria provided, single submitter. Criteria: ACMG Guidelines, 2015. Collection method: clinical testing. Allele origin: inherited. Affected: yes. Observed: 1 heterozygote.
Comment: This missense variant is located in a critical functional domain of the protein. It is extremely rare in gnomAD population databases. Other pathogenic missense variants affecting the same amino acid residue have been reported, and multiple computational tools predict a damaging effect. Although previous ClinVar submissions show conflicting interpretations of pathogenicity, with the majority classifying the variant as pathogenic or likely pathogenic( Accession: VCV000042016.129), the available evidence supports a likely pathogenic classification according to ACMG/AMP guidelines.

Department of Pathology and Laboratory Medicine, Sinai Health System
Classification: Pathogenic for Hereditary spastic paraplegia 7. Last evaluated: 2023-09-28. Review status: criteria provided, single submitter. Criteria: ACMG Guidelines, 2015. Collection method: research. Allele origin: germline.

Greenwood Genetic Center Diagnostic Laboratories, Greenwood Genetic Center
Classification: Pathogenic for Hereditary spastic paraplegia 7. Last evaluated: 2023-08-31. Review status: criteria provided, single submitter. Criteria: ACMG Guidelines, 2015. Collection method: clinical testing. Allele origin: germline. Affected: yes.
Comment: PS3_Moderate, PM3_VeryStrong, PP3

Molecular Genetics, Royal Melbourne Hospital
Classification: Pathogenic for Hereditary spastic paraplegia 7. Last evaluated: 2023-07-07. Review status: criteria provided, single submitter. Criteria: ACMG Guidelines, 2015. Collection method: clinical testing. Allele origin: germline. Inheritance: Autosomal recessive inheritance. Affected: yes.
Comment: This sequence change in SPG7 is predicted to replace alanine with valine at codon 510, p.(Ala510Val). The alanine residue is highly conserved (100 vertebrates, UCSC), and is located in the AAA domain. There is a moderate physicochemical difference between alanine and valine. The highest population minor allele frequency in gnomAD v2.1 is 0.5% (621/129,168 alleles, 1 homozygote) in the European (non-Finnish) population, which is higher than expected for a recessive disorder. This variant has been detected as homozygous and compound heterozygous with a second pathogenic variant in many individuals with hereditary spastic paraplegia and adult-onset cerebellar ataxia (PMID: 20186691, 23269439, 30098094, 32153140). The variant has been reported to segregate with spastic paraplegia/ataxia in multiple families (PMID: 23269439, 30098094). Complementation assays in yeast showed impaired respiratory growth indicating that this variant impacts protein function (PMID: 20186691). Computational evidence predicts a deleterious effect for the missense substitution (REVEL = 0.923). Based on the classification scheme RMH Modified ACMG Guidelines v1.6.1, this variant is classified as PATHOGENIC. Following criteria are met: PM3_VeryStrong, PP1_Strong, PS3_Supporting, PP3, BS1.

Clinical Genetics Laboratory, Skane University Hospital Lund
Classification: Pathogenic. Last evaluated: 2023-05-30. Review status: criteria provided, single submitter. Criteria: ACMG Guidelines, 2015. Collection method: clinical testing. Allele origin: germline. Affected: yes.

Laboratory for Molecular Medicine, Mass General Brigham Personalized Medicine
Classification: Pathogenic for Hereditary spastic paraplegia. Last evaluated: 2023-03-23. Review status: criteria provided, single submitter. Criteria: ACMG Guidelines, 2015. Collection method: clinical testing. Allele origin: germline. Inheritance: Autosomal recessive inheritance.
Comment: The p.Ala510Val variant in SPG7 has been previously identified in >25 homozygous or compound heterozygous individuals with spastic paraplegia type 7 (Elluch 2006 PMID: 16534102, Brugman 2008 PMID: 18799786, Bonn 2010 PMID: 20186691, Schlipf 2011 PMID: 21623769, Roxburgh 2013 PMID: 23269439, Sanchez-Ferrero 2013 PMID: 22571692, Yoon 2013 PMID: 23733235, Gass 2017 PMID: 29026558, Bhattacharjee 2017 PMID: 29057857, Morais 2017 PMID: 28832565, Iqbal 2017 PMID: 28362824). Though the variant is a common cause of spastic paraplegia type 7 in individuals of British ancestry, it may be associated with a late age of onset and/or reduced penetrance (Roxburgh 2013 PMID: 23269439). This variant has been identified in 0.6% (417/68040) of European chromosomes (including 2 homozygotes) by gnomAD v3.1.2. Although this variant has been seen in the general population, its frequency is low enough to be consistent with a recessive carrier frequency. It has also been reported in ClinVar (Variation ID 42016). Computational prediction tools and conservation analyses suggest that this variant may impact the protein, though this information is not predictive enough to determine pathogenicity. Functional assays suggest the p.Ala510Val variant may lead to proteolytic deficiency (Bonn 2010 PMID: 20186691); however, these types of assays may not accurately reflect biological function. In summary, this variant meets criteria to be classified as pathogenic for autosomal recessive spastic paraplegia type 7. ACMG/AMP Criteria applied: PS3_Supporting, PP3, PM3_VeryStrong.

Institute of Human Genetics, Univ. Regensburg, Univ. Regensburg
Classification: Pathogenic for Retinal dystrophy. Last evaluated: 2023-01-01. Review status: criteria provided, single submitter. Criteria: ACMG Guidelines, 2015. Collection method: clinical testing. Allele origin: germline. Affected: yes.

Institute for Medical Genetics and Human Genetics, Charité - Universitätsmedizin Berlin
Classification: Pathogenic for Hereditary spastic paraplegia 7. Last evaluated: 2022-09-22. Review status: criteria provided, single submitter. Criteria: ACMG Guidelines, 2015. Collection method: clinical testing. Allele origin: germline. Inheritance: Autosomal recessive inheritance. Affected: yes. Observed: 1 compound heterozygote.

Human Genetics Bochum, Ruhr University Bochum
Classification: Pathogenic for Frontotemporal dementia and/or amyotrophic lateral sclerosis 2. Last evaluated: 2022-09-02. Review status: criteria provided, single submitter. Criteria: ACMG Guidelines, 2015. Collection method: clinical testing. Allele origin: germline. Affected: yes.
Comment: ACMG criteria used to clasify this variant: PS3, PM2, PS4, PP1, PM1, PP3